The following is an entry in ClinVar:

ClinVar aggregate classification (germline): Pathogenic (1 of 4 stars; one submission).

Conditions:
Pheochromocytoma/paraganglioma syndrome 5. Also called: Paragangliomas 5; SDHA-Related Hereditary Paraganglioma-Pheochromocytoma Syndrome. Identifiers: Orphanet 29072, MedGen C3279992, MONDO:0013602, OMIM 614165.

Submission:

Myriad Genetics, Inc.
Classification: Pathogenic for Pheochromocytoma/paraganglioma syndrome 5. Last evaluated: 2024-07-02. Review status: criteria provided, single submitter. Criteria: Myriad Autosomal Dominant, Autosomal Recessive and X-Linked Classification Criteria (2023). Collection method: clinical testing. Allele origin: unknown.
Comment: This variant is considered pathogenic. This variant creates a frameshift predicted to result in premature protein truncation.

NM_004168.4(SDHA):c.1586del (p.Gly529fs)

Gene: SDHA (succinate dehydrogenase complex flavoprotein subunit A; plus strand). Cytogenetic location: 5p15.33.
Variant type: Deletion.
Coding change: c.1586del on transcript NM_004168.4 (MANE Select); coding-DNA position 1586, one base deleted (G; older notation c.1586delG).
Protein change: p.Gly529fs; shifts the reading frame from glycine 529.
Molecular consequence: frameshift variant. On other transcripts: intron variant (1).
Genome position (GRCh38, 1-based): chr5:251,026, G deleted; the last of 3 consecutive G bases (chr5:251,024-251,026); deleting any one gives the same sequence. VCF-style (leftmost placement, unchanged base first): chr5-251023-TG-T. GRCh37 (hg19) VCF-style: chr5-251138-TG-T.
Other names: c.1442del, p.Gly481fs (NM_001294332.2); c.1552-3367del (NM_001330758.2); short protein forms G481fs, G529fs.
Identifiers: ClinVar variation 3379233 (VCV003379233.1).